The following is an entry in ClinVar:

ClinVar aggregate classification (germline): Uncertain significance (1 of 4 stars; one submission).

Conditions:
Perlman syndrome (PRLMNS). Identifiers: Orphanet 2849, MedGen C0796113, MONDO:0009965, OMIM 267000.

Allele frequency attached by ClinVar (database versions not stated): gnomAD exomes below 0.00001.
gnomAD v4.1: 3 of 1,588,656 alleles (0.00019%); highest among the groups gnomAD compares: Non-Finnish European, 0.00026%; no homozygotes.

Submission:

Labcorp Genetics (formerly Invitae), Labcorp
Classification: Uncertain significance for Perlman syndrome. Last evaluated: 2023-08-14. Review status: criteria provided, single submitter. Criteria: Invitae Variant Classification Sherloc (09022015). Collection method: clinical testing. Allele origin: germline.
Comment: This sequence change falls in intron 3 of the DIS3L2 gene. It does not directly change the encoded amino acid sequence of the DIS3L2 protein. It affects a nucleotide within the consensus splice site. This variant is not present in population databases (gnomAD no frequency). This variant has not been reported in the literature in individuals affected with DIS3L2-related conditions. Variants that disrupt the consensus splice site are a relatively common cause of aberrant splicing (PMID: 17576681, 9536098). Algorithms developed to predict the effect of sequence changes on RNA splicing suggest that this variant may disrupt the consensus splice site. In summary, the available evidence is currently insufficient to determine the role of this variant in disease. Therefore, it has been classified as a Variant of Uncertain Significance.

Literature cited by the submitters: PubMed 17576681; PubMed 9536098.

NM_152383.5(DIS3L2):c.211-3A>G

Gene: DIS3L2 (DIS3 like 3'-5' exoribonuclease 2; plus strand). Cytogenetic location: 2q37.1.
Variant type: single nucleotide variant.
Coding change: c.211-3A>G on transcript NM_152383.5 (MANE Select); 3 bases into the intron before coding-DNA position 211, A replaced by G.
Molecular consequence: intron variant.
Genome position (GRCh38, 1-based): chr2:232,024,274, A>G. VCF-style: chr2-232024274-A-G. GRCh37 (hg19) VCF-style: chr2-232888984-A-G.
Other names: c.211-3A>G (NM_001257281.2, NM_001257282.2).
Identifiers: ClinVar variation 2752469 (VCV002752469.3), dbSNP rs759518693, ClinGen allele CA2663589635.